The following is an entry in ClinVar:

NM_001330288.2(SMARCC2):c.2138C>T (p.Ser713Phe)

Gene: SMARCC2 (SWI/SNF related BAF chromatin remodeling complex subunit C2; minus strand). Cytogenetic location: 12q13.2.
Variant type: single nucleotide variant.
Coding change: c.2138C>T on transcript NM_001330288.2 (MANE Select); coding-DNA position 2138, C replaced by T.
Protein change: p.Ser713Phe; replaces serine 713 with phenylalanine.
Molecular consequence: missense variant.
Genome position (GRCh38, 1-based): chr12:56,171,726, G>A on the plus strand (C>T on the coding strand, the complement: SMARCC2 is on the minus strand). VCF-style: chr12-56171726-G-A. GRCh37 (hg19) VCF-style: chr12-56565510-G-A.
Other names: c.2138C>T, p.Ser713Phe (NM_001130420.3, NM_139067.4); c.2045C>T, p.Ser682Phe (NM_003075.5); short protein forms S682F, S713F.
Identifiers: ClinVar variation 3343290 (VCV003343290.1).

ClinVar aggregate classification (germline): Uncertain significance (1 of 4 stars; one submission).

Submission:

GeneDx
Classification: Uncertain significance. Last evaluated: 2023-05-13. Review status: criteria provided, single submitter. Criteria: GeneDx Variant Classification Process June 2021. Collection method: clinical testing. Allele origin: germline. Affected: yes.
Comment: Not observed at significant frequency in large population cohorts (gnomAD); In silico analysis supports that this missense variant has a deleterious effect on protein structure/function; Has not been previously published as pathogenic or benign to our knowledge